The following is an entry in ClinVar:

NM_020795.4(NLGN2):c.71G>A (p.Gly24Asp)

Gene: NLGN2 (neuroligin 2; plus strand). Cytogenetic location: 17p13.1.
Variant type: single nucleotide variant.
Coding change: c.71G>A on transcript NM_020795.4 (MANE Select); coding-DNA position 71, G replaced by A.
Protein change: p.Gly24Asp; replaces glycine 24 with aspartic acid.
Molecular consequence: missense variant.
Genome position (GRCh38, 1-based): chr17:7,408,326, G>A. VCF-style: chr17-7408326-G-A. GRCh37 (hg19) VCF-style: chr17-7311645-G-A.
Other names: short protein forms G24D.
Identifiers: ClinVar variation 3367756 (VCV003367756.1).
Genomic context (GRCh38, chr17:7,408,326, plus strand): 5'-TGGCGCTGTGTCTGGTGGGGCTGGCGGGGGCTCAACGCGGGGGAGGGGGTCCCGGCGGCG[G>A]CGCCCCGGGCGGCCCCGGCCTGGGCCTCGGCAGCCTCGGCGAGGAGCGCTTCCCGGTGGT-3'
Protein context (NP_065846.1, residues 14-34): AQRGGGGPGG[Gly24Asp]APGGPGLGLG

ClinVar aggregate classification (germline): Uncertain significance (1 of 4 stars; one submission).

gnomAD v4.1: 6 of 1,405,390 alleles (0.00043%); highest among the groups gnomAD compares: Non-Finnish European, 0.00055%; no homozygotes.

Submission:

GeneDx
Classification: Uncertain significance. Last evaluated: 2024-01-09. Review status: criteria provided, single submitter. Criteria: GeneDx Variant Classification Process June 2021. Collection method: clinical testing. Allele origin: germline. Affected: yes.
Comment: Not observed at significant frequency in large population cohorts (gnomAD); In silico analysis supports that this missense variant does not alter protein structure/function; Has not been previously published as pathogenic or benign to our knowledge